The following is an entry in ClinVar:

NM_013339.4(ALG6):c.258-2A>C

Gene: ALG6 (ALG6 alpha-1,3-glucosyltransferase; plus strand). Cytogenetic location: 1p31.3.
Variant type: single nucleotide variant.
Coding change: c.258-2A>C on transcript NM_013339.4 (MANE Select); the canonical splice acceptor site of the intron before coding-DNA position 258, A replaced by C.
Molecular consequence: splice acceptor variant.
Genome position (GRCh38, 1-based): chr1:63,404,451, A>C. VCF-style: chr1-63404451-A-C. GRCh37 (hg19) VCF-style: chr1-63870122-A-C.
Identifiers: ClinVar variation 1066617 (VCV001066617.7), dbSNP rs2100415367, ClinGen allele CA340634248.
Genomic context (GRCh38, chr1:63,404,451, plus strand): 5'-AATATCTTTATTGCTAAAAGGGATGAGGAATGAAGTATCTGTATATATGCTTTGATTTGC[A>C]GGGCAAAGTTTATAAATCCAGACTGGATTGCTCTCCATACATCACGTGGATATGAGAGTC-3'

ClinVar aggregate classification (germline): Likely pathogenic (1 of 4 stars; one submission).

Conditions:
ALG6-congenital disorder of glycosylation 1C (CDG1C). Also called: CARBOHYDRATE-DEFICIENT GLYCOPROTEIN SYNDROME, TYPE V; Congenital disorder of glycosylation type 1C; CDG Ic; CARBOHYDRATE-DEFICIENT GLYCOPROTEIN SYNDROME, TYPE I, WITH DEFICIENT GLYCOSYLATION OF DOLICHOL-LINKED OLIGOSACCHARIDE; Congenital disorder of glycosylation, type Ic. Identifiers: Orphanet 79320, MedGen C2930997, MONDO:0011291, OMIM 603147.

Submission:

Labcorp Genetics (formerly Invitae), Labcorp
Classification: Likely pathogenic for ALG6-congenital disorder of glycosylation 1C. Last evaluated: 2023-07-22. Review status: criteria provided, single submitter. Criteria: Invitae Variant Classification Sherloc (09022015). Collection method: clinical testing. Allele origin: germline.
Comment: This variant has not been reported in the literature in individuals affected with ALG6-related conditions. ClinVar contains an entry for this variant (Variation ID: 1066617). Algorithms developed to predict the effect of sequence changes on RNA splicing suggest that this variant may disrupt the consensus splice site. In summary, the currently available evidence indicates that the variant is pathogenic, but additional data are needed to prove that conclusively. Therefore, this variant has been classified as Likely Pathogenic. This variant is not present in population databases (gnomAD no frequency). This sequence change affects an acceptor splice site in intron 4 of the ALG6 gene. It is expected to disrupt RNA splicing. Variants that disrupt the donor or acceptor splice site typically lead to a loss of protein function (PMID: 16199547), and loss-of-function variants in ALG6 are known to be pathogenic (PMID: 19862844).

Literature cited by the submitters: PubMed 16199547; PubMed 19862844.